The following is an entry in ClinVar:

NM_019892.6(INPP5E):c.685C>T (p.Arg229Trp)

Gene: INPP5E (inositol polyphosphate-5-phosphatase E; minus strand). Cytogenetic location: 9q34.3.
Variant type: single nucleotide variant.
Coding change: c.685C>T on transcript NM_019892.6 (MANE Select); coding-DNA position 685, C replaced by T.
Protein change: p.Arg229Trp; replaces arginine 229 with tryptophan.
Molecular consequence: missense variant.
Genome position (GRCh38, 1-based): chr9:136,438,735, G>A on the plus strand (C>T on the coding strand, the complement: INPP5E is on the minus strand). VCF-style: chr9-136438735-G-A. GRCh37 (hg19) VCF-style: chr9-139333187-G-A.
Other names: c.685C>T (NM_019892.5); c.685C>T, p.Arg229Trp (NM_001318502.2); short protein forms R229W.
Identifiers: ClinVar variation 1437141 (VCV001437141.6), dbSNP rs774085718, ClinGen allele CA5337106.

ClinVar aggregate classification (germline): Uncertain significance. Review status: criteria provided, single submitter (1 of 4 stars). 2 submissions from 2 submitters: Uncertain significance (1). 1 of the submissions does not count toward it. Last evaluated 2022-07-12.

Conditions:
INPP5E-related disorder. Also called: INPP5E-related condition.
Joubert syndrome. Also called: CEREBELLOPARENCHYMAL DISORDER IV; JOUBERT-BOLTSHAUSER SYNDROME; Familial aplasia of the vermis. Identifiers: Orphanet 475, MedGen C5979921, MONDO:0018772.

Allele frequency attached by ClinVar (database versions not stated): gnomAD exomes below 0.00001 and 0.00001; ExAC 0.00001; TOPMed 0.00002; gnomAD 0.00003.
gnomAD v4.1: 15 of 1,610,574 alleles (0.00093%); highest among the groups gnomAD compares: African/African-American, 0.0013%; no homozygotes.

Submissions (2):

Labcorp Genetics (formerly Invitae), Labcorp
Classification: Uncertain significance for Joubert syndrome. Last evaluated: 2022-07-12. Review status: criteria provided, single submitter. Criteria: Invitae Variant Classification Sherloc (09022015). Collection method: clinical testing. Allele origin: germline.
Comment: This sequence change replaces arginine, which is basic and polar, with tryptophan, which is neutral and slightly polar, at codon 229 of the INPP5E protein (p.Arg229Trp). The frequency data for this variant in the population databases is considered unreliable, as metrics indicate poor data quality at this position in the gnomAD database. This variant has not been reported in the literature in individuals affected with INPP5E-related conditions. ClinVar contains an entry for this variant (Variation ID: 1437141). Advanced modeling of protein sequence and biophysical properties (such as structural, functional, and spatial information, amino acid conservation, physicochemical variation, residue mobility, and thermodynamic stability) performed at Invitae indicates that this missense variant is not expected to disrupt INPP5E protein function. In summary, the available evidence is currently insufficient to determine the role of this variant in disease. Therefore, it has been classified as a Variant of Uncertain Significance.

PreventionGenetics, part of Exact Sciences
Classification: Uncertain significance for INPP5E-related condition. Last evaluated: 2024-07-29. Review status: no assertion criteria provided. Collection method: clinical testing. Allele origin: germline. Not counted in ClinVar's aggregate classification.
Comment: The INPP5E c.685C>T variant is predicted to result in the amino acid substitution p.Arg229Trp. To our knowledge, this variant has not been reported in the literature. This variant is reported in 0.0017% of alleles in individuals of European (non-Finnish) descent in gnomAD. At this time, the clinical significance of this variant is uncertain due to the absence of conclusive functional and genetic evidence.